The following is an entry in ClinVar:

ClinVar aggregate classification (germline): Uncertain significance. Review status: criteria provided, multiple submitters, no conflicts (2 of 4 stars). 3 submissions from 3 submitters: Uncertain significance (3). Last evaluated 2025-03-07.

Conditions:
RECON progeroid syndrome (RECON). Identifiers: MedGen C5830504, MONDO:0957266, OMIM 620370.

Allele frequency attached by ClinVar (database versions not stated): gnomAD exomes below 0.00001; TOPMed below 0.00001; gnomAD 0.00001.
gnomAD v4.1: 3 of 1,595,532 alleles (0.00019%); highest among the groups gnomAD compares: East Asian, 0.0045%; no homozygotes.

Submissions (3):

Labcorp Genetics (formerly Invitae), Labcorp
Classification: Uncertain significance. Last evaluated: 2025-03-07. Review status: criteria provided, single submitter. Criteria: Invitae Variant Classification Sherloc (09022015). Collection method: clinical testing. Allele origin: germline.
Comment: This sequence change affects a donor splice site in intron 4 of the RECQL gene. It is expected to disrupt RNA splicing. Variants that disrupt the donor or acceptor splice site typically lead to a loss of protein function (PMID: 16199547), however the current clinical and genetic evidence is not sufficient to establish whether loss-of-function variants in RECQL cause disease. This variant is present in population databases (no rsID available, gnomAD 0.006%). Disruption of this splice site has been observed in individual(s) with breast cancer (PMID: 27125668). ClinVar contains an entry for this variant (Variation ID: 1439831). Algorithms developed to predict the effect of sequence changes on RNA splicing suggest that this variant may disrupt the consensus splice site. In summary, the available evidence is currently insufficient to determine the role of this variant in disease. Therefore, it has been classified as a Variant of Uncertain Significance.

Fulgent Genetics
Classification: Uncertain significance for RECON progeroid syndrome. Last evaluated: 2024-05-23. Review status: criteria provided, single submitter. Criteria: ACMG Guidelines, 2015. Collection method: clinical testing. Allele origin: germline.

Revvity Omics, Revvity
Classification: Uncertain significance for RECON progeroid syndrome. Last evaluated: 2023-08-09. Review status: criteria provided, single submitter. Criteria: ACMG Guidelines, 2015. Collection method: clinical testing. Allele origin: germline.

Literature cited by the submitters: PubMed 16199547 (cited by Labcorp Genetics (formerly Invitae), Labcorp); PubMed 27125668 (cited by Labcorp Genetics (formerly Invitae), Labcorp).

NM_002907.4(RECQL):c.394+1G>A

Gene: RECQL (RecQ like helicase; minus strand). Cytogenetic location: 12p12.1.
Variant type: single nucleotide variant.
Coding change: c.394+1G>A on transcript NM_002907.4 (MANE Select); the canonical splice donor site of the intron after coding-DNA position 394, G replaced by A.
Molecular consequence: splice donor variant.
Genome position (GRCh38, 1-based): chr12:21,490,198, C>T on the plus strand (G>A on the coding strand, the complement: RECQL is on the minus strand). VCF-style: chr12-21490198-C-T. GRCh37 (hg19) VCF-style: chr12-21643132-C-T.
Other names: c.394+1G>A (NM_032941.3).
Identifiers: ClinVar variation 1439831 (VCV001439831.11), dbSNP rs1237988770, ClinGen allele CA384132065.